The following is an entry in ClinVar:

ClinVar aggregate classification (germline): Uncertain significance (1 of 4 stars; one submission).

Conditions:
Cenani-Lenz syndactyly syndrome. Also called: SYNDACTYLY, TYPE VII; CENANI SYNDACTYLISM. Identifiers: Orphanet 3258, MedGen C1859309, MONDO:0008931, OMIM 212780.
Congenital myasthenic syndrome 17. Identifiers: Orphanet 590, MedGen C4225377, MONDO:0014578, OMIM 616304.
Sclerosteosis 2 (SOST2). Identifiers: Orphanet 3152, MedGen C3280402, MONDO:0013679, OMIM 614305.

Submission:

Labcorp Genetics (formerly Invitae), Labcorp
Classification: Uncertain significance for Cenani-Lenz syndactyly syndrome; Sclerosteosis 2; Congenital myasthenic syndrome 17. Last evaluated: 2022-07-14. Review status: criteria provided, single submitter. Criteria: Invitae Variant Classification Sherloc (09022015). Collection method: clinical testing. Allele origin: germline.
Comment: In summary, the available evidence is currently insufficient to determine the role of this variant in disease. Therefore, it has been classified as a Variant of Uncertain Significance. Algorithms developed to predict the effect of missense changes on protein structure and function (SIFT, PolyPhen-2, Align-GVGD) all suggest that this variant is likely to be tolerated. This variant has not been reported in the literature in individuals affected with LRP4-related conditions. This variant is not present in population databases (gnomAD no frequency). This sequence change replaces methionine, which is neutral and non-polar, with leucine, which is neutral and non-polar, at codon 612 of the LRP4 protein (p.Met612Leu).

NM_002334.4(LRP4):c.1834A>T (p.Met612Leu)

Gene: LRP4 (LDL receptor related protein 4; minus strand). Cytogenetic location: 11p11.2.
Variant type: single nucleotide variant.
Coding change: c.1834A>T on transcript NM_002334.4 (MANE Select); coding-DNA position 1834, A replaced by T.
Protein change: p.Met612Leu; replaces methionine 612 with leucine.
Molecular consequence: missense variant.
Genome position (GRCh38, 1-based): chr11:46,890,358, T>A on the plus strand (A>T on the coding strand, the complement: LRP4 is on the minus strand). VCF-style: chr11-46890358-T-A. GRCh37 (hg19) VCF-style: chr11-46911909-T-A.
Other names: short protein forms M612L.
Identifiers: ClinVar variation 2017006 (VCV002017006.4), dbSNP rs2539759458, ClinGen allele CA380282727.